The following is an entry in ClinVar:

ClinVar aggregate classification (germline): Uncertain significance. Review status: criteria provided, multiple submitters, no conflicts (2 of 4 stars). 3 submissions from 3 submitters: Uncertain significance (3). Last evaluated 2024-12-19.

Conditions:
Intellectual developmental disorder with autism and macrocephaly. Also called: CHD8-Related Neurodevelopmental Disorder with Overgrowth; Autism, susceptibility to, 18. Identifiers: Orphanet 642675, MedGen C3554373, MONDO:0014017, OMIM 615032.
Inborn genetic diseases. Identifiers: MedGen C0950123, MeSH D030342.

Allele frequency attached by ClinVar (database versions not stated): gnomAD exomes below 0.00001; TOPMed 0.00001.
gnomAD v4.1: 5 of 1,563,344 alleles (0.00032%); highest among the groups gnomAD compares: South Asian, 0.0011%; no homozygotes.

Submissions (3):

Clinical Genomics Laboratory, Washington University in St. Louis
Classification: Uncertain significance for Intellectual developmental disorder with autism and macrocephaly. Last evaluated: 2024-12-19. Review status: criteria provided, single submitter. Criteria: ACMG Guidelines, 2015. Collection method: clinical testing. Allele origin: germline.
Comment: The CHD8 c.7177A>G (p.Lys2393Glu) variant, to our knowledge, has not been reported in the medical literature. This variant is only observed on 1 of 223,432 alleles in the general population (gnomAD v.2.1.1), indicating it is not a common variant. Computational predictors suggest that the variant does not impact CHD8 function. This variant has been reported in the ClinVar database as a germline variant of uncertain significant by one submitter. Due to limited information, and based on ACMG/AMP guidelines for variant interpretation (Richards S et al., PMID: 25741868), the clinical significance of this variant is uncertain at this time.

Labcorp Genetics (formerly Invitae), Labcorp
Classification: Uncertain significance. Last evaluated: 2023-03-27. Review status: criteria provided, single submitter. Criteria: Invitae Variant Classification Sherloc (09022015). Collection method: clinical testing. Allele origin: germline.
Comment: ClinVar contains an entry for this variant (Variation ID: 2323531). This variant has not been reported in the literature in individuals affected with CHD8-related conditions. The frequency data for this variant in the population databases is considered unreliable, as metrics indicate poor data quality at this position in the gnomAD database. This sequence change replaces lysine, which is basic and polar, with glutamic acid, which is acidic and polar, at codon 2393 of the CHD8 protein (p.Lys2393Glu). Advanced modeling of protein sequence and biophysical properties (such as structural, functional, and spatial information, amino acid conservation, physicochemical variation, residue mobility, and thermodynamic stability) performed at Invitae indicates that this missense variant is expected to disrupt CHD8 protein function. In summary, the available evidence is currently insufficient to determine the role of this variant in disease. Therefore, it has been classified as a Variant of Uncertain Significance.

Ambry Genetics
Classification: Uncertain significance for Inborn genetic diseases. Last evaluated: 2022-11-07. Review status: criteria provided, single submitter. Criteria: Ambry Variant Classification Scheme 2023. Collection method: clinical testing. Allele origin: germline.

NM_001170629.2(CHD8):c.7177A>G (p.Lys2393Glu)

Gene: CHD8 (chromodomain helicase DNA binding protein 8; minus strand). Cytogenetic location: 14q11.2.
Variant type: single nucleotide variant.
Coding change: c.7177A>G on transcript NM_001170629.2 (MANE Select); coding-DNA position 7177, A replaced by G.
Protein change: p.Lys2393Glu; replaces lysine 2393 with glutamic acid.
Molecular consequence: missense variant.
Genome position (GRCh38, 1-based): chr14:21,390,952, T>C on the plus strand (A>G on the coding strand, the complement: CHD8 is on the minus strand). VCF-style: chr14-21390952-T-C. GRCh37 (hg19) VCF-style: chr14-21859111-T-C.
Other names: c.6340A>G, p.Lys2114Glu (NM_020920.4); short protein forms K2114E, K2393E.
Identifiers: ClinVar variation 2323531 (VCV002323531.6), dbSNP rs1369154475, ClinGen allele CA388876594.